The following is an entry in ClinVar:

ClinVar aggregate classification (germline): Conflicting classifications of pathogenicity. Review status: criteria provided, conflicting classifications (1 of 4 stars). 2 submissions from 2 submitters: Uncertain significance (1); Likely benign (1). Last evaluated 2024-09-01.

Allele frequency attached by ClinVar (database versions not stated): gnomAD 0.00001; TOPMed 0.00002; gnomAD exomes 0.00003.
gnomAD v4.1: 42 of 1,609,778 alleles (0.0026%); highest among the groups gnomAD compares: Non-Finnish European, 0.0033%; no homozygotes.

Submissions (2):

CeGaT Center for Human Genetics Tuebingen
Classification: Likely benign. Last evaluated: 2024-09-01. Review status: criteria provided, single submitter. Criteria: CeGaT Center For Human Genetics Tuebingen Variant Classification Criteria Version 2. Collection method: clinical testing. Allele origin: germline. Affected: yes. Observed: 1 variant allele.
Comment: NAA15: BS2

Labcorp Genetics (formerly Invitae), Labcorp
Classification: Uncertain significance. Last evaluated: 2022-03-18. Review status: criteria provided, single submitter. Criteria: Invitae Variant Classification Sherloc (09022015). Collection method: clinical testing. Allele origin: germline.
Comment: This sequence change replaces tyrosine, which is neutral and polar, with serine, which is neutral and polar, at codon 287 of the NAA15 protein (p.Tyr287Ser). This variant is present in population databases (no rsID available, gnomAD 0.0009%). This variant has not been reported in the literature in individuals affected with NAA15-related conditions. Algorithms developed to predict the effect of missense changes on protein structure and function (SIFT, PolyPhen-2, Align-GVGD) all suggest that this variant is likely to be disruptive. In summary, the available evidence is currently insufficient to determine the role of this variant in disease. Therefore, it has been classified as a Variant of Uncertain Significance.

NM_057175.5(NAA15):c.860A>C (p.Tyr287Ser)

Gene: NAA15 (N-alpha-acetyltransferase 15, NatA auxiliary subunit; plus strand). Cytogenetic location: 4q31.1.
Variant type: single nucleotide variant.
Coding change: c.860A>C on transcript NM_057175.5 (MANE Select); coding-DNA position 860, A replaced by C.
Protein change: p.Tyr287Ser; replaces tyrosine 287 with serine.
Molecular consequence: missense variant.
Genome position (GRCh38, 1-based): chr4:139,351,239, A>C. VCF-style: chr4-139351239-A-C. GRCh37 (hg19) VCF-style: chr4-140272393-A-C.
Other names: c.860A>C, p.Tyr287Ser (NM_001410842.1, NM_025085.2); short protein forms Y287S.
Identifiers: ClinVar variation 1951315 (VCV001951315.19), dbSNP rs901680614, ClinGen allele CA106712770.
Genomic context (GRCh38, chr4:139,351,239, plus strand): 5'-CTTTGTTTGCAGCTAATATGTTAGAACGGCTAAAAATTTATGAGGAAGCCTGGACTAAAT[A>C]TCCCAGGGGACTGGTGCCAAGAAGGCTGCCGTTAAACTTTTTATCTGGTAAGTGAGAATA-3'
Protein context (NP_476516.1, residues 277-297): LKIYEEAWTK[Tyr287Ser]PRGLVPRRLP